The following is an entry in ClinVar:

ClinVar aggregate classification (germline): Uncertain significance. Review status: criteria provided, multiple submitters, no conflicts (2 of 4 stars). 6 submissions from 6 submitters: Uncertain significance (5). 1 of the submissions does not count toward it. Last evaluated 2025-09-19.

Conditions:
Hereditary cancer-predisposing syndrome. Also called: Neoplastic Syndromes, Hereditary; Hereditary neoplastic syndrome; Tumor predisposition; Hereditary Cancer Syndrome. Identifiers: Orphanet 140162, MedGen C0027672, MeSH D009386, MONDO:0015356.
Ataxia-telangiectasia syndrome (AT). Also called: Ataxia telangiectasia (A-T); Cerebello-oculocutaneous telangiectasia; Immunodeficiency with ataxia telangiectasia; LOUIS-BAR SYNDROME; AT, COMPLEMENTATION GROUP C; ATAXIA-TELANGIECTASIA, FRESNO VARIANT. Identifiers: Orphanet 100, MedGen C0004135, MONDO:0008840, OMIM 208900.

Allele frequency attached by ClinVar (database versions not stated): gnomAD exomes below 0.00001 and 0.00001; 1000 Genomes Project 30x 0.00047; gnomAD 0.00001; 1000 Genomes Project 0.00040; ExAC 0.00002.
gnomAD v4.1: 4 of 1,613,846 alleles (0.00025%); highest among the groups gnomAD compares: African/African-American, 0.004%; no homozygotes.

Submissions (6):

Women's Health and Genetics/Laboratory Corporation of America, LabCorp
Classification: Uncertain significance. Last evaluated: 2025-09-19. Review status: criteria provided, single submitter. Criteria: LabCorp Variant Classification Summary - May 2015. Collection method: clinical testing. Allele origin: germline.
Comment: Variant summary: ATM c.6670A>G (p.Met2224Val) results in a conservative amino acid change in the encoded protein sequence. Algorithms developed to predict the effect of missense changes on protein structure and function are either unavailable or do not agree on the potential impact of this missense change. The variant allele was found at a frequency of 8e-06 in 251168 control chromosomes. The available data on variant occurrences in the general population are insufficient to allow any conclusion about variant significance. c.6670A>G has been observed in individual(s) affected with Breast Cancer (deOliveira_2022). These report(s) do not provide unequivocal conclusions about association of the variant with Breast Cancer. To our knowledge, no experimental evidence demonstrating an impact on protein function has been reported. The following publication have been ascertained in the context of this evaluation (PMID: 35534704). ClinVar contains an entry for this variant (Variation ID: 231798). Based on the evidence outlined above, the variant was classified as uncertain significance.

Labcorp Genetics (formerly Invitae), Labcorp
Classification: Uncertain significance for Ataxia-telangiectasia syndrome. Last evaluated: 2025-08-07. Review status: criteria provided, single submitter. Criteria: Invitae Variant Classification Sherloc (09022015). Collection method: clinical testing. Allele origin: germline.
Comment: This sequence change replaces methionine, which is neutral and non-polar, with valine, which is neutral and non-polar, at codon 2224 of the ATM protein (p.Met2224Val). This variant is present in population databases (rs545873723, gnomAD 0.01%). This missense change has been observed in individual(s) with breast cancer (PMID: 35534704). ClinVar contains an entry for this variant (Variation ID: 231798). Invitae Evidence Modeling of protein sequence and biophysical properties (such as structural, functional, and spatial information, amino acid conservation, physicochemical variation, residue mobility, and thermodynamic stability) indicates that this missense variant is not expected to disrupt ATM protein function with a negative predictive value of 95%. In summary, the available evidence is currently insufficient to determine the role of this variant in disease. Therefore, it has been classified as a Variant of Uncertain Significance.

Ambry Genetics
Classification: Uncertain significance for Hereditary cancer-predisposing syndrome. Last evaluated: 2024-01-16. Review status: criteria provided, single submitter. Criteria: Ambry Variant Classification Scheme 2023. Collection method: clinical testing. Allele origin: germline.
Comment: The p.M2224V variant (also known as c.6670A>G), located in coding exon 45 of the ATM gene, results from an A to G substitution at nucleotide position 6670. The methionine at codon 2224 is replaced by valine, an amino acid with highly similar properties. This alteration has been reported in at least one breast cancer patient in a study of 13087 breast cancer cases and 5488 control individuals in the UK (Decker B et al. J Med Genet, 2017 11;54:732-741). This amino acid position is well conserved in available vertebrate species. In addition, the in silico prediction for this alteration is inconclusive. Since supporting evidence is limited at this time, the clinical significance of this alteration remains unclear.

Color Diagnostics, LLC DBA Color Health
Classification: Uncertain significance for Hereditary cancer-predisposing syndrome. Last evaluated: 2022-12-06. Review status: criteria provided, single submitter. Criteria: ACMG Guidelines, 2015. Collection method: clinical testing. Allele origin: germline.
Comment: This missense variant replaces methionine with valine at codon 2224 of the ATM protein. Computational prediction suggests that this variant may not impact protein structure and function (internally defined REVEL score threshold <= 0.5, PMID: 27666373). To our knowledge, functional studies have not been reported for this variant. This variant has been reported in at least two individuals affected with breast cancer and absent in 53461 unaffected individuals (PMID: 28779002, 33471991; Leiden Open Variation Database DB-ID ATM_002727). This variant has been identified in 2/251168 chromosomes in the general population by the Genome Aggregation Database (gnomAD). The available evidence is insufficient to determine the role of this variant in disease conclusively. Therefore, this variant is classified as a Variant of Uncertain Significance.

Mendelics
Classification: Uncertain significance. Last evaluated: 2022-05-04. Review status: criteria provided, single submitter. Criteria: Mendelics Assertion Criteria 2019. Collection method: clinical testing. Allele origin: germline.

Natera, Inc.
Classification: Uncertain significance for Ataxia-telangiectasia. Last evaluated: 2020-08-28. Review status: no assertion criteria provided. Collection method: clinical testing. Allele origin: germline. Not counted in ClinVar's aggregate classification.

Literature cited by the submitters: PubMed 35534704 (cited by Women's Health and Genetics/Laboratory Corporation of America, LabCorp and Labcorp Genetics (formerly Invitae), Labcorp); PubMed 28779002 (cited by Ambry Genetics and Color Diagnostics, LLC DBA Color Health); PubMed 33471991 (cited by Color Diagnostics, LLC DBA Color Health).

NM_000051.4(ATM):c.6670A>G (p.Met2224Val)

Genes: ATM (ATM serine/threonine kinase; plus strand), C11orf65 (chromosome 11 open reading frame 65; minus strand). Cytogenetic location: 11q22.3.
Variant type: single nucleotide variant.
Coding change: c.6670A>G on transcript NM_000051.4 (MANE Select); coding-DNA position 6670, A replaced by G.
Protein change: p.Met2224Val; replaces methionine 2224 with valine.
Molecular consequence: missense variant. On other transcripts: intron variant (2).
Genome position (GRCh38, 1-based): chr11:108,325,407, A>G. VCF-style: chr11-108325407-A-G. GRCh37 (hg19) VCF-style: chr11-108196134-A-G.
Other names: c.6670A>G, p.Met2224Val (NM_001351834.2); c.641-16336T>C (NM_001330368.2); c.*38+9813T>C (NM_001351110.2); short protein forms M2224V.
Identifiers: ClinVar variation 231798 (VCV000231798.26), dbSNP rs545873723, ClinGen allele CA6265994.